The following is an entry in ClinVar:

NM_012293.3(PXDN):c.2162C>G (p.Ser721Trp)

Gene: PXDN (peroxidasin; minus strand). Cytogenetic location: 2p25.3.
Variant type: single nucleotide variant.
Coding change: c.2162C>G on transcript NM_012293.3 (MANE Select); coding-DNA position 2162, C replaced by G.
Protein change: p.Ser721Trp; replaces serine 721 with tryptophan.
Molecular consequence: missense variant.
Genome position (GRCh38, 1-based): chr2:1,649,618, G>C on the plus strand (C>G on the coding strand, the complement: PXDN is on the minus strand). VCF-style: chr2-1649618-G-C. GRCh37 (hg19) VCF-style: chr2-1653390-G-C.
Other names: short protein forms S721W.
Identifiers: ClinVar variation 1708013 (VCV001708013.2), dbSNP rs377269649, ClinGen allele CA345708631.

ClinVar aggregate classification (germline): Uncertain significance (1 of 4 stars; one submission).

gnomAD v4.1: 3 of 1,613,934 alleles (0.00019%); highest among the groups gnomAD compares: Non-Finnish European, 0.00025%; no homozygotes.

Submission:

GeneDx
Classification: Uncertain significance. Last evaluated: 2022-03-25. Review status: criteria provided, single submitter. Criteria: GeneDx Variant Classification Process June 2021. Collection method: clinical testing. Allele origin: germline. Affected: yes.
Comment: Not observed at significant frequency in large population cohorts (gnomAD); In silico analysis supports that this missense variant has a deleterious effect on protein structure/function; Has not been previously published as pathogenic or benign to our knowledge